The following is an entry in ClinVar:

ClinVar aggregate classification (germline): Uncertain significance (1 of 4 stars; one submission).

Submission:

GeneDx
Classification: Uncertain significance. Last evaluated: 2025-01-15. Review status: criteria provided, single submitter. Criteria: GeneDx Variant Classification Process June 2021. Collection method: clinical testing. Allele origin: germline. Affected: yes.
Comment: Not observed at significant frequency in large population cohorts (gnomAD); In silico analysis indicates that this missense variant does not alter protein structure/function; Has not been previously published as pathogenic or benign to our knowledge

NM_001348768.2(HECW2):c.1969G>A (p.Asp657Asn)

Gene: HECW2 (HECT, C2 and WW domain containing E3 ubiquitin protein ligase 2; minus strand). Cytogenetic location: 2q32.3.
Variant type: single nucleotide variant.
Coding change: c.1969G>A on transcript NM_001348768.2 (MANE Select); coding-DNA position 1969, G replaced by A.
Protein change: p.Asp657Asn; replaces aspartic acid 657 with asparagine.
Molecular consequence: missense variant.
Genome position (GRCh38, 1-based): chr2:196,318,921, C>T on the plus strand (G>A on the coding strand, the complement: HECW2 is on the minus strand). VCF-style: chr2-196318921-C-T. GRCh37 (hg19) VCF-style: chr2-197183645-C-T.
Other names: c.901G>A, p.Asp301Asn (NM_001304840.3); c.1969G>A, p.Asp657Asn (NM_020760.4); short protein forms D301N, D657N.
Identifiers: ClinVar variation 4070732 (VCV004070732.1).